The following is an entry in ClinVar:

NM_001267550.2(TTN):c.1002C>T (p.Thr334=)

Gene: TTN (titin; minus strand). Cytogenetic location: 2q31.2.
Variant type: single nucleotide variant.
Coding change: c.1002C>T on transcript NM_001267550.2 (MANE Select); coding-DNA position 1002, C replaced by T.
Protein change: p.Thr334=; no amino-acid change (threonine 334 retained).
Molecular consequence: synonymous variant.
Genome position (GRCh38, 1-based): chr2:178,795,165, G>A on the plus strand (C>T on the coding strand, the complement: TTN is on the minus strand). VCF-style: chr2-178795165-G-A. GRCh37 (hg19) VCF-style: chr2-179659892-G-A.
Other names: c.1002C>T, p.Thr334= (NM_003319.4, NM_133379.5, NM_133432.3 and 3 more transcripts).
Identifiers: ClinVar variation 166356 (VCV000166356.65), dbSNP rs148094198, ClinGen allele CA346116.

ClinVar aggregate classification (germline): Conflicting classifications of pathogenicity. Review status: criteria provided, conflicting classifications (1 of 4 stars). 18 submissions from 14 submitters: Uncertain significance (3); Benign (7); Likely benign (5). 3 of the submissions do not count toward it. Last evaluated 2026-07-01.

Conditions:
TTN-related disorder. Also called: TTN-related disorders; TTN-related condition; TTN-related disease.
Cardiovascular phenotype. Identifiers: MedGen CN230736.
Autosomal recessive limb-girdle muscular dystrophy type 2J (LGMDR10). Also called: Limb-girdle muscular dystrophy, type 2J; MUSCULAR DYSTROPHY, LIMB-GIRDLE, AUTOSOMAL RECESSIVE 10. Identifiers: Orphanet 140922, MedGen C1837342, MONDO:0012127, OMIM 608807.
Dilated cardiomyopathy 1G (CMD1G). Identifiers: Orphanet 154, MedGen C1858763, MONDO:0011400, OMIM 604145.
Myopathy, myofibrillar, 9, with early respiratory failure (MFM9). Also called: EDSTROM MYOPATHY; MYOPATHY, PROXIMAL, WITH EARLY RESPIRATORY MUSCLE INVOLVEMENT; Hereditary myopathy with early respiratory failure; Myopathy, distal, with early respiratory failure, autosomal dominant. Identifiers: Orphanet 178464, Orphanet 34521, MedGen C1863599, MONDO:0011362, OMIM 603689.
Early-onset myopathy with fatal cardiomyopathy (CMYO5). Also called: Salih Myopathy; CONGENITAL MYOPATHY 5 WITH CARDIOMYOPATHY. Identifiers: Orphanet 289377, MedGen C2673677, MONDO:0012714, OMIM 611705. Disease mechanism: loss of function.
Tibial muscular dystrophy (TMD). Also called: Udd Distal Myopathy – Tibial Muscular Dystrophy; Tibial muscular dystrophy, tardive; UDD MYOPATHY. Identifiers: Orphanet 609, MedGen C1838244, MONDO:0010870, OMIM 600334.

Allele frequency attached by ClinVar (database versions not stated): gnomAD exomes 0.00017 and 0.00032; ExAC 0.00041; gnomAD 0.00117 and 0.00128; 1000 Genomes Project 0.00120; TOPMed 0.00139; 1000 Genomes Project 30x 0.00141; ESP Exome Variant Server 0.00169.
gnomAD v4.1: 444 of 1,614,134 alleles (0.028%); highest among the groups gnomAD compares: African/African-American, 0.43%; 1 homozygote.

Submissions (18):

CeGaT Center for Human Genetics Tuebingen
Classification: Likely benign. Last evaluated: 2026-07-01. Review status: criteria provided, single submitter. Criteria: CeGaT Center For Human Genetics Tuebingen Variant Classification Criteria Version 2. Collection method: clinical testing. Allele origin: germline. Affected: yes. Observed: 7 variant alleles.
Comment: TTN: BP4, BP7

Labcorp Genetics (formerly Invitae), Labcorp
Classification: Benign for Dilated cardiomyopathy 1G; Autosomal recessive limb-girdle muscular dystrophy type 2J. Last evaluated: 2026-01-14. Review status: criteria provided, single submitter. Criteria: Invitae Variant Classification Sherloc (09022015). Collection method: clinical testing. Allele origin: germline.

Molecular Diagnostic Laboratory for Inherited Cardiovascular Disease, Montreal Heart Institute
Classification: Likely benign. Last evaluated: 2025-04-09. Review status: criteria provided, single submitter. Criteria: ACMG Guidelines, 2015. Collection method: clinical testing. Allele origin: germline. Affected: no.

Blueprint Genetics
Classification: Likely benign. Last evaluated: 2024-09-24. Review status: criteria provided, single submitter. Criteria: ACMG Guidelines, 2015. Collection method: clinical testing. Allele origin: germline.

Women's Health and Genetics/Laboratory Corporation of America, LabCorp
Classification: Likely benign. Last evaluated: 2020-01-19. Review status: criteria provided, single submitter. Criteria: LabCorp Variant Classification Summary - May 2015. Collection method: clinical testing. Allele origin: germline.

Ambry Genetics
Classification: Benign for Cardiovascular phenotype. Last evaluated: 2018-10-30. Review status: criteria provided, single submitter. Criteria: Ambry Variant Classification Scheme 2023. Collection method: clinical testing. Allele origin: germline.

Illumina Laboratory Services, Illumina
Classification: Uncertain significance for Autosomal recessive limb-girdle muscular dystrophy type 2J. Last evaluated: 2018-01-12. Review status: criteria provided, single submitter. Criteria: ICSL Variant Classification Criteria 13 December 2019. Collection method: clinical testing. Allele origin: germline.

Illumina Laboratory Services, Illumina
Classification: Benign for Tibial muscular dystrophy. Last evaluated: 2018-01-12. Review status: criteria provided, single submitter. Criteria: ICSL Variant Classification Criteria 13 December 2019. Collection method: clinical testing. Allele origin: germline.
Comment: This variant was observed in the ICSL laboratory as part of a predisposition screen in an ostensibly healthy population. It had not been previously curated by ICSL or reported in the Human Gene Mutation Database (HGMD: prior to June 1st, 2018), and was therefore a candidate for classification through an automated scoring system. Utilizing variant allele frequency, disease prevalence and penetrance estimates, and inheritance mode, an automated score was calculated to assess if this variant is too frequent to cause the disease. Based on the score and internal cut-off values, a variant classified as benign is not then subjected to further curation. The score for this variant resulted in a classification of benign for this disease.

Illumina Laboratory Services, Illumina
Classification: Benign for Myopathy, myofibrillar, 9, with early respiratory failure. Last evaluated: 2018-01-12. Review status: criteria provided, single submitter. Criteria: ICSL Variant Classification Criteria 13 December 2019. Collection method: clinical testing. Allele origin: germline.
Comment: the same text as in the submission from Illumina Laboratory Services, Illumina above.

Illumina Laboratory Services, Illumina
Classification: Uncertain significance for Early-onset myopathy with fatal cardiomyopathy. Last evaluated: 2018-01-12. Review status: criteria provided, single submitter. Criteria: ICSL Variant Classification Criteria 13 December 2019. Collection method: clinical testing. Allele origin: germline.

Illumina Laboratory Services, Illumina
Classification: Uncertain significance for Dilated cardiomyopathy 1G. Last evaluated: 2018-01-12. Review status: criteria provided, single submitter. Criteria: ICSL Variant Classification Criteria 13 December 2019. Collection method: clinical testing. Allele origin: germline.

Athena Diagnostics
Classification: Benign. Last evaluated: 2017-09-30. Review status: criteria provided, single submitter. Criteria: Athena Diagnostics Criteria. Collection method: clinical testing. Allele origin: germline.

Eurofins Ntd Llc (ga)
Classification: Likely benign. Last evaluated: 2016-12-20. Review status: criteria provided, single submitter. Criteria: EGL Classification Definitions 2015. Collection method: clinical testing. Allele origin: germline. Observed: 4 variant alleles, 4 heterozygotes.

GeneDx
Classification: Benign. Last evaluated: 2015-08-24. Review status: criteria provided, single submitter. Criteria: GeneDx Variant Classification (06012015). Collection method: clinical testing. Allele origin: germline. Affected: yes.
Comment: This variant is considered likely benign or benign based on one or more of the following criteria: it is a conservative change, it occurs at a poorly conserved position in the protein, it is predicted to be benign by multiple in silico algorithms, and/or has population frequency not consistent with disease.

Laboratory for Molecular Medicine, Mass General Brigham Personalized Medicine
Classification: Benign. Last evaluated: 2012-03-19. Review status: criteria provided, single submitter. Criteria: LMM Criteria. Collection method: clinical testing. Allele origin: germline. Observed: 3 variant alleles.
Comment: p.Thr334Thr in Exon 07 of TTN: This variant is not expected to have clinical sig nificance because it does not alter an amino acid residue, is not located within the splice consensus sequence and has been identified in 0.5% (18/3738) of Afri can American chromosomes from a broad population by the NHLBI Exome Sequencing P roject (dbSNP rs148094198).

PreventionGenetics, part of Exact Sciences
Classification: Benign for TTN-related condition. Last evaluated: 2020-01-02. Review status: no assertion criteria provided. Collection method: clinical testing. Allele origin: germline. Not counted in ClinVar's aggregate classification.
Comment: This variant is classified as benign based on ACMG/AMP sequence variant interpretation guidelines (Richards et al. 2015 PMID: 25741868, with internal and published modifications).

Clinical Genetics DNA and cytogenetics Diagnostics Lab, Erasmus MC, Erasmus Medical Center
Classification: Likely benign. Review status: no assertion criteria provided. Collection method: clinical testing. Allele origin: germline. Affected: yes. Study: VKGL Data-share Consensus. Not counted in ClinVar's aggregate classification.

Genome Diagnostics Laboratory, University Medical Center Utrecht
Classification: Likely benign. Review status: no assertion criteria provided. Collection method: clinical testing. Allele origin: germline. Affected: yes. Study: VKGL Data-share Consensus. Not counted in ClinVar's aggregate classification.